The following is an entry in ClinVar:

NM_001002029.4(C4B):c.2482C>T (p.Arg828Trp)

Gene: C4B (complement C4B (Chido/Rodgers blood group); plus strand). Cytogenetic location: 6p21.33.
Variant type: single nucleotide variant.
Coding change: c.2482C>T on transcript NM_001002029.4 (MANE Select); coding-DNA position 2482, C replaced by T.
Protein change: p.Arg828Trp; replaces arginine 828 with tryptophan.
Molecular consequence: missense variant.
Genome position (GRCh38, 1-based): chr6:32,027,012, C>T. VCF-style: chr6-32027012-C-T. GRCh37 (hg19) VCF-style: chr6-31994789-C-T.
Other names: short protein forms R828W.
Identifiers: ClinVar variation 2350474 (VCV002350474.15), dbSNP rs374713901, ClinGen allele CA3731950.

ClinVar aggregate classification (germline): Conflicting classifications of pathogenicity. Review status: criteria provided, conflicting classifications (1 of 4 stars). 2 submissions from 2 submitters: Uncertain significance (1); Likely benign (1). Last evaluated 2024-12-01.

Allele frequency attached by ClinVar (database versions not stated): ESP Exome Variant Server 0.00008; gnomAD exomes 0.00045; ExAC 0.00105; 1000 Genomes Project 30x 0.00172.

Submissions (2):

CeGaT Center for Human Genetics Tuebingen
Classification: Likely benign. Last evaluated: 2024-12-01. Review status: criteria provided, single submitter. Criteria: CeGaT Center For Human Genetics Tuebingen Variant Classification Criteria Version 2. Collection method: clinical testing. Allele origin: germline. Affected: yes. Observed: 1 variant allele.
Comment: C4B: BP4, BS1

Ambry Genetics
Classification: Uncertain significance. Last evaluated: 2022-07-08. Review status: criteria provided, single submitter. Criteria: Ambry Variant Classification Scheme 2023. Collection method: clinical testing. Allele origin: germline.